The following is an entry in ClinVar:

ClinVar aggregate classification (germline): Conflicting classifications of pathogenicity. Review status: criteria provided, conflicting classifications (1 of 4 stars). 3 submissions from 3 submitters: Uncertain significance (2); Likely benign (1). Last evaluated 2016-02-25.

Conditions:
Cardiomyopathy (CMYO). Also called: Cardiomyopathies. Identifiers: Orphanet 167848, MedGen C0878544, MONDO:0004994, HP:0001638. Inheritance: Various modes of inheritance.
Primary dilated cardiomyopathy (DCM). Also called: Dilated Cardiomyopathy. Identifiers: Orphanet 217604, MedGen C0007193, MeSH D002311, MONDO:0005021, HP:0001644. Inheritance: Various modes of inheritance.

Allele frequency attached by ClinVar (database versions not stated): gnomAD below 0.00001 and 0.00001; ExAC 0.00001; gnomAD exomes 0.00002.
gnomAD v4.1: 35 of 1,613,262 alleles (0.0022%); highest among the groups gnomAD compares: South Asian, 0.015%; no homozygotes.

Submissions (3):

CHEO Genetics Diagnostic Laboratory, Children's Hospital of Eastern Ontario
Classification: Uncertain significance for Cardiomyopathy. Last evaluated: 2016-02-25. Review status: criteria provided, single submitter. Criteria: ACMG Guidelines, 2015. Collection method: clinical testing. Allele origin: germline. Study: Canadian Open Genetics Repository.

Laboratory for Molecular Medicine, Mass General Brigham Personalized Medicine
Classification: Uncertain significance. Last evaluated: 2012-06-06. Review status: criteria provided, single submitter. Criteria: LMM Criteria. Collection method: clinical testing. Allele origin: germline. Observed: 1 variant allele.
Comment: Variant classified as Uncertain Significance - Favor Benign. The Ser19956Asn var iant in TTN has not been reported in the literature nor previously identified by our laboratory. The affected amino acid (serine) is not well conserved in evolu tion, suggesting that this change may be tolerated. Other computational analyse s (biochemical amino acid properties, conservation, AlignGVGD, PolyPhen2, and SI FT) do not provide strong support for or against an impact to the protein. Addit ional information is needed to fully assess the clinical significance of this va riant.

Genetics and Genomics Program, Sidra Medicine
Classification: Likely benign for Primary dilated cardiomyopathy. Review status: criteria provided, single submitter. Criteria: ACMG Guidelines, 2015. Collection method: research. Allele origin: unknown. Affected: yes. Observed: 1 variant allele.

NM_001267550.2(TTN):c.67571G>A (p.Ser22524Asn)

Genes: TTN (titin; minus strand), TTN-AS1 (TTN antisense RNA 1; plus strand), LOC126806423 (CDK7 strongly-dependent group 2 enhancer GRCh37_chr2:179443309-179444508; plus strand). Cytogenetic location: 2q31.2.
Variant type: single nucleotide variant.
Coding change: c.67571G>A on transcript NM_001267550.2 (MANE Select); coding-DNA position 67571, G replaced by A.
Protein change: p.Ser22524Asn; replaces serine 22524 with asparagine.
Molecular consequence: missense variant.
Genome position (GRCh38, 1-based): chr2:178,579,626, C>T on the plus strand (G>A on the coding strand, the complement: TTN is on the minus strand). VCF-style: chr2-178579626-C-T. GRCh37 (hg19) VCF-style: chr2-179444353-C-T.
Other names: c.62648G>A, p.Ser20883Asn (NM_001256850.1); c.59867G>A, p.Ser19956Asn (NM_133378.4); c.40376G>A, p.Ser13459Asn (NM_003319.4); c.40751G>A, p.Ser13584Asn (NM_133432.3); c.40952G>A, p.Ser13651Asn (NM_133437.4); short protein forms S22524N, S19956N, S20883N, S13584N, S13459N, S13651N.
Identifiers: ClinVar variation 47254 (VCV000047254.9), dbSNP rs397517670, ClinGen allele CA140469.